The following is an entry in ClinVar:

ClinVar aggregate classification (germline): Uncertain significance (1 of 4 stars; one submission).

Conditions:
Ullrich congenital muscular dystrophy 2 (UCMD2). Identifiers: Orphanet 75840, MedGen C4225314, MONDO:0014654, OMIM 616470.
Bethlem myopathy 2 (BTHLM2). Identifiers: Orphanet 536516, Orphanet 610, MedGen C4225313, MONDO:0034022, OMIM 616471.

Submission:

Labcorp Genetics (formerly Invitae), Labcorp
Classification: Uncertain significance for Bethlem myopathy 2; Ullrich congenital muscular dystrophy 2. Last evaluated: 2026-02-01. Review status: criteria provided, single submitter. Criteria: Invitae Variant Classification Sherloc (09022015). Collection method: clinical testing. Allele origin: germline.
Comment: This sequence change replaces serine, which is neutral and polar, with arginine, which is basic and polar, at codon 534 of the COL12A1 protein (p.Ser534Arg). This variant is not present in population databases (gnomAD no frequency). This variant has not been reported in the literature in individuals affected with COL12A1-related conditions. Invitae Evidence Modeling of protein sequence and biophysical properties (such as structural, functional, and spatial information, amino acid conservation, physicochemical variation, residue mobility, and thermodynamic stability) indicates that this missense variant is not expected to disrupt COL12A1 protein function with a negative predictive value of 80%. In summary, the available evidence is currently insufficient to determine the role of this variant in disease. Therefore, it has been classified as a Variant of Uncertain Significance.

NM_004370.6(COL12A1):c.1602C>A (p.Ser534Arg)

Gene: COL12A1 (collagen type XII alpha 1 chain; minus strand). Cytogenetic location: 6q13.
Variant type: single nucleotide variant.
Coding change: c.1602C>A on transcript NM_004370.6 (MANE Select); coding-DNA position 1602, C replaced by A.
Protein change: p.Ser534Arg; replaces serine 534 with arginine.
Molecular consequence: missense variant. On other transcripts: intron variant (2).
Genome position (GRCh38, 1-based): chr6:75,183,339, G>T on the plus strand (C>A on the coding strand, the complement: COL12A1 is on the minus strand). VCF-style: chr6-75183339-G-T. GRCh37 (hg19) VCF-style: chr6-75893055-G-T.
Other names: c.1602C>A, p.Ser534Arg (NM_001424113.1, NM_001424114.1, NM_001424115.1); c.73+19381C>A (NM_001424116.1, NM_080645.3); short protein forms S534R.
Identifiers: ClinVar variation 4793091 (VCV004793091.1).